The following is an entry in ClinVar:

ClinVar aggregate classification (germline): Uncertain significance (1 of 4 stars; one submission).

Conditions:
Bone marrow failure syndrome. Identifiers: MedGen C2931245, MONDO:0000159.

Submission:

St. Jude Molecular Pathology, St. Jude Children's Research Hospital
Classification: Uncertain significance for Bone marrow failure syndrome. Last evaluated: 2025-06-17. Review status: criteria provided, single submitter. Criteria: St. Jude Assertion Criteria 2020. Collection method: clinical testing. Allele origin: germline.
Comment: The SMC4 c.2478+3A>G intronic change results in an A to G substitution at the +3 position of intron 15 of the SMC4 gene. Algorithms that predict the impact of sequence changes on splicing indicate that this variant likely does not affect splicing. This variant is absent in gnomAD v2.1.1 however this data may be unreliable due to poor data quality at this location. To our knowledge, this variant has not been reported in individuals with SMC4-related disease. In summary, the evidence currently available is insufficient to determine the clinical significance of this variant. It has therefore been classified as of uncertain significance.

NM_001002800.3(SMC4):c.2478+3A>G

Genes: SMC4 (structural maintenance of chromosomes 4; plus strand), TRIM59-IFT80 (TRIM59-IFT80 readthrough (NMD candidate); minus strand). Cytogenetic location: 3q25.33.
Variant type: single nucleotide variant.
Coding change: c.2478+3A>G on transcript NM_001002800.3 (MANE Select); 3 bases into the intron after coding-DNA position 2478, A replaced by G.
Molecular consequence: intron variant.
Genome position (GRCh38, 1-based): chr3:160,425,022, A>G. VCF-style: chr3-160425022-A-G. GRCh37 (hg19) VCF-style: chr3-160142810-A-G.
Other names: c.2403+3A>G (NM_001288753.2); c.2478+3A>G (NM_005496.3).
Identifiers: ClinVar variation 4056098 (VCV004056098.2).